The following is an entry in ClinVar:

ClinVar aggregate classification (germline): Uncertain significance. Review status: criteria provided, multiple submitters, no conflicts (2 of 4 stars). 2 submissions from 2 submitters: Uncertain significance (2). Last evaluated 2024-07-16.

Conditions:
Malignant hyperthermia, susceptibility to, 5 (MHS5). Also called: CACNA1S-Related Malignant Hyperthermia Susceptibility. Identifiers: Orphanet 423, MedGen C1866077, MONDO:0011163, OMIM 601887.

Allele frequency attached by ClinVar (database versions not stated): gnomAD exomes below 0.00001; ExAC 0.00001; gnomAD 0.00001; TOPMed 0.00001.
gnomAD v4.1: 2 of 1,613,522 alleles (0.00012%); highest among the groups gnomAD compares: Non-Finnish European, 0.00017%; no homozygotes.

Submissions (2):

Color Diagnostics, LLC DBA Color Health
Classification: Uncertain significance for Malignant hyperthermia, susceptibility to, 5. Last evaluated: 2024-07-16. Review status: criteria provided, single submitter. Criteria: ACMG Guidelines, 2015. Collection method: clinical testing. Allele origin: germline.
Comment: This missense variant replaces glutamic acid with aspartic acid at codon 1569 of the CACNA1S protein. Computational prediction is inconclusive regarding the impact of this variant on protein structure and function. To our knowledge, functional studies have not been reported for this variant. This variant has not been reported in individuals affected with CACNA1S-related disorders in the literature. This variant has been identified in 1/250962 chromosomes in the general population by the Genome Aggregation Database (gnomAD). The available evidence is insufficient to determine the role of this variant in disease conclusively. Therefore, this variant is classified as a Variant of Uncertain Significance.

All of Us Research Program, National Institutes of Health
Classification: Uncertain significance for Malignant hyperthermia, susceptibility to, 5. Last evaluated: 2023-11-30. Review status: criteria provided, single submitter. Criteria: ACMG Guidelines, 2015. Collection method: clinical testing. Allele origin: germline. Inheritance: Autosomal dominant inheritance. Observed: 1 variant allele, 1 heterozygote.
Comment: This study involves interpretation of variants in research participants for the purpose of population health screening. Participant phenotype was not available at the time of variant classification. Additional details can be found in publication PMID: 35346344, PMCID: PMC8962531

NM_000069.3(CACNA1S):c.4707G>C (p.Glu1569Asp)

Gene: CACNA1S (calcium voltage-gated channel subunit alpha1 S; minus strand). Cytogenetic location: 1q32.1.
Variant type: single nucleotide variant.
Coding change: c.4707G>C on transcript NM_000069.3 (MANE Select); coding-DNA position 4707, G replaced by C.
Protein change: p.Glu1569Asp; replaces glutamic acid 1569 with aspartic acid.
Molecular consequence: missense variant.
Genome position (GRCh38, 1-based): chr1:201,044,418, C>G on the plus strand (G>C on the coding strand, the complement: CACNA1S is on the minus strand). VCF-style: chr1-201044418-C-G. GRCh37 (hg19) VCF-style: chr1-201013546-C-G.
Other names: short protein forms E1569D.
Identifiers: ClinVar variation 3073963 (VCV003073963.2), dbSNP rs763779725, ClinGen allele CA083545.